The following is an entry in ClinVar:

NM_007103.4(NDUFV1):c.1080+1G>T

Gene: NDUFV1 (NADH:ubiquinone oxidoreductase core subunit V1; plus strand). Cytogenetic location: 11q13.2.
Variant type: single nucleotide variant.
Coding change: c.1080+1G>T on transcript NM_007103.4 (MANE Select); the canonical splice donor site of the intron after coding-DNA position 1080, G replaced by T.
Molecular consequence: splice donor variant.
Genome position (GRCh38, 1-based): chr11:67,611,570, G>T. VCF-style: chr11-67611570-G-T. GRCh37 (hg19) VCF-style: chr11-67379041-G-T.
Other names: c.1053+1G>T (NM_001166102.2).
Identifiers: ClinVar variation 2700690 (VCV002700690.4), dbSNP rs774471485, ClinGen allele CA6143378.

ClinVar aggregate classification (germline): Likely pathogenic. Review status: criteria provided, multiple submitters, no conflicts (2 of 4 stars). 2 submissions from 2 submitters: Likely pathogenic (2). Last evaluated 2024-06-22.

Conditions:
Mitochondrial complex I deficiency, nuclear type 4. Also called: Mitochondrial complex 1 deficiency, nuclear type 4. Identifiers: MedGen C4748753, MONDO:0032609, OMIM 618225.

Allele frequency attached by ClinVar (database versions not stated): ExAC 0.00001; gnomAD exomes 0.00001.

Submissions (2):

Fulgent Genetics
Classification: Likely pathogenic for Mitochondrial complex I deficiency, nuclear type 4. Last evaluated: 2024-06-22. Review status: criteria provided, single submitter. Criteria: ACMG Guidelines, 2015. Collection method: clinical testing. Allele origin: germline.

Labcorp Genetics (formerly Invitae), Labcorp
Classification: Likely pathogenic. Last evaluated: 2023-12-04. Review status: criteria provided, single submitter. Criteria: Invitae Variant Classification Sherloc (09022015). Collection method: clinical testing. Allele origin: germline.
Comment: This sequence change affects a donor splice site in intron 7 of the NDUFV1 gene. It is expected to disrupt RNA splicing. Variants that disrupt the donor or acceptor splice site typically lead to a loss of protein function (PMID: 16199547), and loss-of-function variants in NDUFV1 are known to be pathogenic (PMID: 10080174, 11349233). The frequency data for this variant in the population databases is considered unreliable, as metrics indicate poor data quality at this position in the gnomAD database. This variant has not been reported in the literature in individuals affected with NDUFV1-related conditions. Algorithms developed to predict the effect of sequence changes on RNA splicing suggest that this variant may disrupt the consensus splice site. In summary, the currently available evidence indicates that the variant is pathogenic, but additional data are needed to prove that conclusively. Therefore, this variant has been classified as Likely Pathogenic.

Literature cited by the submitters: PubMed 16199547 (cited by Labcorp Genetics (formerly Invitae), Labcorp); PubMed 10080174 (cited by Labcorp Genetics (formerly Invitae), Labcorp); PubMed 11349233 (cited by Labcorp Genetics (formerly Invitae), Labcorp).